The following is an entry in ClinVar:

NM_032447.5(FBN3):c.5854T>C (p.Phe1952Leu)

Gene: FBN3 (fibrillin 3; minus strand). Cytogenetic location: 19p13.2.
Variant type: single nucleotide variant.
Coding change: c.5854T>C on transcript NM_032447.5 (MANE Select); coding-DNA position 5854, T replaced by C.
Protein change: p.Phe1952Leu; replaces phenylalanine 1952 with leucine.
Molecular consequence: missense variant.
Genome position (GRCh38, 1-based): chr19:8,094,497, A>G on the plus strand (T>C on the coding strand, the complement: FBN3 is on the minus strand). VCF-style: chr19-8094497-A-G. GRCh37 (hg19) VCF-style: chr19-8159381-A-G.
Other names: c.5854T>C, p.Phe1952Leu (NM_001321431.2); short protein forms F1952L.
Identifiers: ClinVar variation 2800115 (VCV002800115.3), dbSNP rs778767973, ClinGen allele CA9151515.

ClinVar aggregate classification (germline): Uncertain significance (1 of 4 stars; one submission).

Allele frequency attached by ClinVar (database versions not stated): ExAC 0.00001; gnomAD 0.00001; gnomAD exomes 0.00001; TOPMed 0.00001.
gnomAD v4.1: 5 of 1,613,844 alleles (0.00031%); highest among the groups gnomAD compares: Admixed American, 0.0067%; no homozygotes.

Submission:

Labcorp Genetics (formerly Invitae), Labcorp
Classification: Uncertain significance. Last evaluated: 2023-07-17. Review status: criteria provided, single submitter. Criteria: Invitae Variant Classification Sherloc (09022015). Collection method: clinical testing. Allele origin: germline.
Comment: In summary, the available evidence is currently insufficient to determine the role of this variant in disease. Therefore, it has been classified as a Variant of Uncertain Significance. Advanced modeling of protein sequence and biophysical properties (such as structural, functional, and spatial information, amino acid conservation, physicochemical variation, residue mobility, and thermodynamic stability) performed at Invitae indicates that this missense variant is expected to disrupt FBN3 protein function. This variant has not been reported in the literature in individuals affected with FBN3-related conditions. This variant is present in population databases (rs778767973, gnomAD 0.009%). This sequence change replaces phenylalanine, which is neutral and non-polar, with leucine, which is neutral and non-polar, at codon 1952 of the FBN3 protein (p.Phe1952Leu).